The following is an entry in ClinVar:

c.[c.38dupA]+[1571G>A]

Variant type: Duplication.
Identifiers: ClinVar variation 65919 (VCV000065919.3).

ClinVar aggregate classification (germline): Pathogenic (0 of 4 stars; one submission).

Conditions:
Glycogen storage disease, type IV (GSD4). Also called: AMYLOPECTINOSIS; ANDERSEN DISEASE; CIRRHOSIS, FAMILIAL, WITH DEPOSITION OF ABNORMAL GLYCOGEN; GBE1 DEFICIENCY; GLYCOGEN BRANCHING ENZYME DEFICIENCY; GLYCOGENOSIS IV. Identifiers: Orphanet 367, MedGen C0017923, MONDO:0009292, OMIM 232500.

Submission:

GeneReviews
Classification: Pathogenic for Adult Polyglucosan Body Disease. Last evaluated: 2009-04-02. Review status: no assertion criteria provided. Collection method: curation. Allele origin: unknown.
ClinVar note: Converted during submission from pathologic to Pathogenic.